The following is an entry in ClinVar:

ClinVar aggregate classification (germline): Benign. Review status: criteria provided, single submitter (1 of 4 stars). 2 submissions from 2 submitters: Benign (1). 1 of the submissions does not count toward it. Last evaluated 2025-12-16.

Conditions:
ACER3-related disorder. Also called: ACER3-related condition.

Allele frequency attached by ClinVar (database versions not stated): gnomAD exomes 0.00033; ExAC 0.00062; ESP Exome Variant Server 0.00074; 1000 Genomes Project 30x 0.00172; 1000 Genomes Project 0.00200.
gnomAD v4.1: 398 of 1,547,696 alleles (0.026%); highest among the groups gnomAD compares: African/African-American, 0.48%; 3 homozygotes.

Submissions (2):

Labcorp Genetics (formerly Invitae), Labcorp
Classification: Benign. Last evaluated: 2025-12-16. Review status: criteria provided, single submitter. Criteria: Invitae Variant Classification Sherloc (09022015). Collection method: clinical testing. Allele origin: germline.

PreventionGenetics, part of Exact Sciences
Classification: Likely benign for ACER3-related condition. Last evaluated: 2020-01-17. Review status: no assertion criteria provided. Collection method: clinical testing. Allele origin: germline. Not counted in ClinVar's aggregate classification.
Comment: This variant is classified as likely benign based on ACMG/AMP sequence variant interpretation guidelines (Richards et al. 2015 PMID: 25741868, with internal and published modifications).

NM_018367.7(ACER3):c.45C>T (p.Thr15=)

Gene: ACER3 (alkaline ceramidase 3; plus strand). Cytogenetic location: 11q13.5.
Variant type: single nucleotide variant.
Coding change: c.45C>T on transcript NM_018367.7 (MANE Select); coding-DNA position 45, C replaced by T.
Protein change: p.Thr15=; no amino-acid change (threonine 15 retained).
Molecular consequence: synonymous variant. On other transcripts: 5 prime UTR variant (2).
Genome position (GRCh38, 1-based): chr11:76,861,021, C>T. VCF-style: chr11-76861021-C-T. GRCh37 (hg19) VCF-style: chr11-76572065-C-T.
Other names: c.45C>T, p.Thr15= (NM_001300953.2); c.-312C>T (NM_001300954.2); c.-188C>T (NM_001300955.2); c.45C>T (NM_001300953.1).
Identifiers: ClinVar variation 1653177 (VCV001653177.10), dbSNP rs138662843, ClinGen allele CA6195538.
Genomic context (GRCh38, chr11:76,861,021, plus strand): 5'-CGGCGGCGGCGGCGTGATGGCTCCGGCCGCGGACCGAGAGGGCTACTGGGGCCCCACGAC[C>T]TCCACGCTGGACTGGTGCGAGGAGAACTACTCCGTGACCTGGTACATCGCCGAGTTCTGT-3'
Protein context (NP_060837.3, residues 5-25): ADREGYWGPT[Thr15=]STLDWCEENY